The following is an entry in ClinVar:

ClinVar aggregate classification (germline): Conflicting classifications of pathogenicity. Review status: criteria provided, conflicting classifications (1 of 4 stars). 3 submissions from 3 submitters: Uncertain significance (2); Benign (1). Last evaluated 2024-06-06.

Conditions:
Congenital contractural arachnodactyly (CCA). Also called: Beals-Hecht syndrome; BEALS SYNDROME; Arthrogryposis, distal, type 9. Identifiers: Orphanet 115, MedGen C0220668, MONDO:0007363, OMIM 121050.
Macular degeneration, early-onset (EOMD). Identifiers: MedGen C4015286, MONDO:0014501, OMIM 616118.
Familial thoracic aortic aneurysm and aortic dissection (TAAD). Also called: Thoracic aortic aneurysms and dissections. Identifiers: Orphanet 91387, MedGen C4707243, MONDO:0019625.

Allele frequency attached by ClinVar (database versions not stated): gnomAD 0.00001 and 0.00005; TOPMed 0.00001; gnomAD exomes 0.00004 and 0.00011; ExAC 0.00008; 1000 Genomes Project 0.00060; 1000 Genomes Project 30x 0.00062.
gnomAD v4.1: 68 of 1,614,004 alleles (0.0042%); highest among the groups gnomAD compares: South Asian, 0.054%; no homozygotes.

Submissions (3):

Fulgent Genetics
Classification: Uncertain significance for Congenital contractural arachnodactyly; Macular degeneration, early-onset. Last evaluated: 2024-06-06. Review status: criteria provided, single submitter. Criteria: ACMG Guidelines, 2015. Collection method: clinical testing. Allele origin: germline.

Labcorp Genetics (formerly Invitae), Labcorp
Classification: Benign for Congenital contractural arachnodactyly. Last evaluated: 2024-03-21. Review status: criteria provided, single submitter. Criteria: Invitae Variant Classification Sherloc (09022015). Collection method: clinical testing. Allele origin: germline.

Ambry Genetics
Classification: Uncertain significance for Familial thoracic aortic aneurysm and aortic dissection. Last evaluated: 2023-07-19. Review status: criteria provided, single submitter. Criteria: Ambry Variant Classification Scheme 2023. Collection method: clinical testing. Allele origin: germline.
Comment: The p.N2462S variant (also known as c.7385A>G), located in coding exon 58 of the FBN2 gene, results from an A to G substitution at nucleotide position 7385. The asparagine at codon 2462 is replaced by serine, an amino acid with highly similar properties. This amino acid position is well conserved in available vertebrate species. In addition, this alteration is predicted to be tolerated by in silico analysis. Since supporting evidence is limited at this time, the clinical significance of this alteration remains unclear.

NM_001999.4(FBN2):c.7385A>G (p.Asn2462Ser)

Gene: FBN2 (fibrillin 2; minus strand). Cytogenetic location: 5q23.3.
Variant type: single nucleotide variant.
Coding change: c.7385A>G on transcript NM_001999.4 (MANE Select); coding-DNA position 7385, A replaced by G.
Protein change: p.Asn2462Ser; replaces asparagine 2462 with serine.
Molecular consequence: missense variant.
Genome position (GRCh38, 1-based): chr5:128,277,966, T>C on the plus strand (A>G on the coding strand, the complement: FBN2 is on the minus strand). VCF-style: chr5-128277966-T-C. GRCh37 (hg19) VCF-style: chr5-127613658-T-C.
Other names: c.7385A>G (NM_001999.3); short protein forms N2462S.
Identifiers: ClinVar variation 1646797 (VCV001646797.11), dbSNP rs576501460, ClinGen allele CA3394133.